The following is an entry in ClinVar:

NM_001267550.2(TTN):c.13976A>G (p.Tyr4659Cys)

Gene: TTN (titin; minus strand). Cytogenetic location: 2q31.2.
Variant type: single nucleotide variant.
Coding change: c.13976A>G on transcript NM_001267550.2 (MANE Select); coding-DNA position 13976, A replaced by G.
Protein change: p.Tyr4659Cys; replaces tyrosine 4659 with cysteine.
Molecular consequence: missense variant. On other transcripts: intron variant (1).
Genome position (GRCh38, 1-based): chr2:178,739,257, T>C on the plus strand (A>G on the coding strand, the complement: TTN is on the minus strand). VCF-style: chr2-178739257-T-C. GRCh37 (hg19) VCF-style: chr2-179603984-T-C.
Other names: p.Y4342C:TAT>TGT; c.13463A>G, p.Tyr4488Cys (NM_133437.4); c.10361-897A>G (NM_133378.4); c.13025A>G, p.Tyr4342Cys (NM_001256850.1); c.12887A>G, p.Tyr4296Cys (NM_003319.4); c.13262A>G, p.Tyr4421Cys (NM_133432.3); c.13976A>G (NM_001267550.1); short protein forms Y4421C, Y4659C, Y4342C, Y4296C, Y4488C.
Identifiers: ClinVar variation 166228 (VCV000166228.71), dbSNP rs34706803, ClinGen allele CA179005.

ClinVar aggregate classification (germline): Benign/Likely benign. Review status: criteria provided, multiple submitters, no conflicts (2 of 4 stars). 20 submissions from 17 submitters: Benign (12); Likely benign (4). 4 of the submissions do not count toward it. Last evaluated 2026-07-01.

Conditions:
Cardiovascular phenotype. Identifiers: MedGen CN230736.
TTN-related disorder. Also called: TTN-related disorders; TTN-related condition; TTN-related disease.
Autosomal recessive limb-girdle muscular dystrophy type 2J (LGMDR10). Also called: Limb-girdle muscular dystrophy, type 2J; MUSCULAR DYSTROPHY, LIMB-GIRDLE, AUTOSOMAL RECESSIVE 10. Identifiers: Orphanet 140922, MedGen C1837342, MONDO:0012127, OMIM 608807.
Dilated cardiomyopathy 1G (CMD1G). Identifiers: Orphanet 154, MedGen C1858763, MONDO:0011400, OMIM 604145.
Cardiomyopathy (CMYO). Also called: Cardiomyopathies. Identifiers: Orphanet 167848, MedGen C0878544, MONDO:0004994, HP:0001638. Inheritance: Various modes of inheritance.
Myopathy, myofibrillar, 9, with early respiratory failure (MFM9). Also called: EDSTROM MYOPATHY; MYOPATHY, PROXIMAL, WITH EARLY RESPIRATORY MUSCLE INVOLVEMENT; Hereditary myopathy with early respiratory failure; Myopathy, distal, with early respiratory failure, autosomal dominant. Identifiers: Orphanet 178464, Orphanet 34521, MedGen C1863599, MONDO:0011362, OMIM 603689.
Early-onset myopathy with fatal cardiomyopathy (CMYO5). Also called: Salih Myopathy; CONGENITAL MYOPATHY 5 WITH CARDIOMYOPATHY. Identifiers: Orphanet 289377, MedGen C2673677, MONDO:0012714, OMIM 611705. Disease mechanism: loss of function.
Tibial muscular dystrophy (TMD). Also called: Udd Distal Myopathy – Tibial Muscular Dystrophy; Tibial muscular dystrophy, tardive; UDD MYOPATHY. Identifiers: Orphanet 609, MedGen C1838244, MONDO:0010870, OMIM 600334.
Primary dilated cardiomyopathy (DCM). Also called: Dilated Cardiomyopathy. Identifiers: Orphanet 217604, MedGen C0007193, MeSH D002311, MONDO:0005021, HP:0001644. Inheritance: Various modes of inheritance.

Allele frequency attached by ClinVar (database versions not stated): gnomAD exomes 0.00075 and 0.00145; gnomAD 0.00078 and 0.00081; TOPMed 0.00085; ESP Exome Variant Server 0.00091; ExAC 0.00122.
gnomAD v4.1: 1,301 of 1,608,126 alleles (0.081%); highest among the groups gnomAD compares: Non-Finnish European, 0.014%; 12 homozygotes.

Submissions (20):

CeGaT Center for Human Genetics Tuebingen
Classification: Likely benign. Last evaluated: 2026-07-01. Review status: criteria provided, single submitter. Criteria: CeGaT Center For Human Genetics Tuebingen Variant Classification Criteria Version 2. Collection method: clinical testing. Allele origin: germline. Affected: yes. Observed: 50 variant alleles.
Comment: TTN: BS1

Labcorp Genetics (formerly Invitae), Labcorp
Classification: Likely benign for Dilated cardiomyopathy 1G; Autosomal recessive limb-girdle muscular dystrophy type 2J. Last evaluated: 2026-02-01. Review status: criteria provided, single submitter. Criteria: Invitae Variant Classification Sherloc (09022015). Collection method: clinical testing. Allele origin: germline.

ARUP Laboratories, Molecular Genetics and Genomics, ARUP Laboratories
Classification: Benign. Last evaluated: 2025-03-10. Review status: criteria provided, single submitter. Criteria: ARUP Molecular Germline Variant Investigation Process 2024. Collection method: clinical testing. Allele origin: germline.

Blueprint Genetics
Classification: Likely benign. Last evaluated: 2024-11-26. Review status: criteria provided, single submitter. Criteria: ACMG Guidelines, 2015. Collection method: clinical testing. Allele origin: germline.

Genome-Nilou Lab
Classification: Benign for Autosomal recessive limb-girdle muscular dystrophy type 2J. Last evaluated: 2021-09-10. Review status: criteria provided, single submitter. Criteria: ACMG Guidelines, 2015. Collection method: clinical testing. Allele origin: germline. Affected: no.

Genome-Nilou Lab
Classification: Benign for Myopathy, myofibrillar, 9, with early respiratory failure. Last evaluated: 2021-09-10. Review status: criteria provided, single submitter. Criteria: ACMG Guidelines, 2015. Collection method: clinical testing. Allele origin: germline. Affected: no.

Genome-Nilou Lab
Classification: Benign for Early-onset myopathy with fatal cardiomyopathy. Last evaluated: 2021-09-10. Review status: criteria provided, single submitter. Criteria: ACMG Guidelines, 2015. Collection method: clinical testing. Allele origin: germline. Affected: no.

Genome-Nilou Lab
Classification: Benign for Tibial muscular dystrophy. Last evaluated: 2021-09-10. Review status: criteria provided, single submitter. Criteria: ACMG Guidelines, 2015. Collection method: clinical testing. Allele origin: germline. Affected: no.

Athena Diagnostics
Classification: Benign. Last evaluated: 2020-12-01. Review status: criteria provided, single submitter. Criteria: Athena Diagnostics criteria. Collection method: clinical testing. Allele origin: unknown.

Laboratory for Molecular Medicine, Mass General Brigham Personalized Medicine
Classification: Likely benign. Last evaluated: 2019-05-10. Review status: criteria provided, single submitter. Criteria: LMM Criteria. Collection method: clinical testing. Allele origin: germline. Observed: 8 variant alleles.
Comment: proposed classification - variant undergoing re-assessment, contact laboratory

CHEO Genetics Diagnostic Laboratory, Children's Hospital of Eastern Ontario
Classification: Benign for Cardiomyopathy. Last evaluated: 2018-05-02. Review status: criteria provided, single submitter. Criteria: ACMG Guidelines, 2015. Collection method: clinical testing. Allele origin: germline.

Center for Advanced Laboratory Medicine, UC San Diego Health, University of California San Diego
Classification: Benign for Dilated cardiomyopathy. Last evaluated: 2018-04-06. Review status: criteria provided, single submitter. Criteria: ACMG Guidelines, 2015. Collection method: clinical testing. Allele origin: germline. Affected: yes. Observed: 2 variant alleles.

Ambry Genetics
Classification: Benign for Cardiovascular phenotype. Last evaluated: 2018-02-22. Review status: criteria provided, single submitter. Criteria: Ambry Variant Classification Scheme 2023. Collection method: clinical testing. Allele origin: germline.

GeneDx
Classification: Benign. Last evaluated: 2017-07-24. Review status: criteria provided, single submitter. Criteria: GeneDx Variant Classification (06012015). Collection method: clinical testing. Allele origin: germline. Affected: yes.
Comment: This variant is considered likely benign or benign based on one or more of the following criteria: it is a conservative change, it occurs at a poorly conserved position in the protein, it is predicted to be benign by multiple in silico algorithms, and/or has population frequency not consistent with disease.

Eurofins Ntd Llc (ga)
Classification: Benign. Last evaluated: 2017-01-06. Review status: criteria provided, single submitter. Criteria: EGL Classification Definitions 2015. Collection method: clinical testing. Allele origin: germline. Observed: 7 variant alleles, 7 heterozygotes.

Biesecker Lab/Clinical Genomics Section, National Institutes of Health
Classification: Benign. Last evaluated: 2013-06-24. Review status: criteria provided, single submitter. Criteria: Ng et al. (Circ Cardiovasc Genet. 2013). Collection method: research. Allele origin: unknown. Observed: 8 variant alleles. Study: ClinSeq.
Comment: The study set was not selected for affection status in relation to any cancer. Pathogenicity categories were based on literature curation. See Pubmed ID:23861362 for details.

Medical sequencing

PreventionGenetics, part of Exact Sciences
Classification: Benign for TTN-related condition. Last evaluated: 2019-03-14. Review status: no assertion criteria provided. Collection method: clinical testing. Allele origin: germline. Not counted in ClinVar's aggregate classification.
Comment: This variant is classified as benign based on ACMG/AMP sequence variant interpretation guidelines (Richards et al. 2015 PMID: 25741868, with internal and published modifications).

Clinical Genetics DNA and cytogenetics Diagnostics Lab, Erasmus MC, Erasmus Medical Center
Classification: Likely benign. Review status: no assertion criteria provided. Collection method: clinical testing. Allele origin: germline. Affected: yes. Study: VKGL Data-share Consensus. Not counted in ClinVar's aggregate classification.

Clinical Genetics, Academic Medical Center
Classification: Benign. Review status: no assertion criteria provided. Collection method: clinical testing. Allele origin: germline. Affected: yes. Study: VKGL Data-share Consensus. Not counted in ClinVar's aggregate classification.

Diagnostic Laboratory, Department of Genetics, University Medical Center Groningen
Classification: Likely benign. Review status: no assertion criteria provided. Collection method: clinical testing. Allele origin: germline. Affected: yes. Study: VKGL Data-share Consensus. Not counted in ClinVar's aggregate classification.

Literature cited by the submitters: PubMed 23861362 (cited by Athena Diagnostics).